The following is an entry in ClinVar:

ClinVar aggregate classification (germline): Uncertain significance (1 of 4 stars; one submission).

Conditions:
Fanconi anemia (FA). Also called: Fanconi's anemia. Identifiers: Orphanet 84, MedGen C0015625, MeSH D005199, MONDO:0019391.

Allele frequency attached by ClinVar (database versions not stated): TOPMed 0.00001.
gnomAD v4.1: 2 of 1,614,114 alleles (0.00012%); highest among the groups gnomAD compares: African/African-American, 0.0013%; no homozygotes.

Submission:

Labcorp Genetics (formerly Invitae), Labcorp
Classification: Uncertain significance for Fanconi anemia. Last evaluated: 2021-02-03. Review status: criteria provided, single submitter. Criteria: Invitae Variant Classification Sherloc (09022015). Collection method: clinical testing. Allele origin: germline.
Comment: In summary, the available evidence is currently insufficient to determine the role of this variant in disease. Therefore, it has been classified as a Variant of Uncertain Significance. Algorithms developed to predict the effect of missense changes on protein structure and function output the following: SIFT: "Tolerated"; PolyPhen-2: "Benign"; Align-GVGD: "Class C0". The aspartic acid amino acid residue is found in multiple mammalian species, suggesting that this missense change does not adversely affect protein function. These predictions have not been confirmed by published functional studies and their clinical significance is uncertain. This variant has not been reported in the literature in individuals with SLX4-related conditions. This variant is not present in population databases (ExAC no frequency). This sequence change replaces glutamic acid with aspartic acid at codon 361 of the SLX4 protein (p.Glu361Asp). The glutamic acid residue is weakly conserved and there is a small physicochemical difference between glutamic acid and aspartic acid.

NM_032444.4(SLX4):c.1083G>C (p.Glu361Asp)

Gene: SLX4 (SLX4 structure-specific endonuclease subunit; minus strand). Cytogenetic location: 16p13.3.
Variant type: single nucleotide variant.
Coding change: c.1083G>C on transcript NM_032444.4 (MANE Select); coding-DNA position 1083, G replaced by C.
Protein change: p.Glu361Asp; replaces glutamic acid 361 with aspartic acid.
Molecular consequence: missense variant.
Genome position (GRCh38, 1-based): chr16:3,601,059, C>G on the plus strand (G>C on the coding strand, the complement: SLX4 is on the minus strand). VCF-style: chr16-3601059-C-G. GRCh37 (hg19) VCF-style: chr16-3651060-C-G.
Other names: short protein forms E361D.
Identifiers: ClinVar variation 1426971 (VCV001426971.8), dbSNP rs1361684518, ClinGen allele CA394531554.